The following is an entry in ClinVar:

ClinVar aggregate classification (germline): Likely benign. Review status: criteria provided, multiple submitters, no conflicts (2 of 4 stars). 4 submissions from 4 submitters: Likely benign (2). 2 of the submissions do not count toward it. Last evaluated 2026-09-01.

Conditions:
GALC-related disorder. Also called: GALC-related condition.
Galactosylceramide beta-galactosidase deficiency. Also called: Leukodystrophy, Globoid Cell; GALACTOCEREBROSIDASE DEFICIENCY; GALC DEFICIENCY; GLOBOID CELL LEUKOENCEPHALOPATHY; Krabbe Disease. Identifiers: Orphanet 487, MedGen C0023521, MONDO:0009499, OMIM 245200.

Allele frequency attached by ClinVar (database versions not stated): gnomAD 0.00405 and 0.00434; 1000 Genomes Project 0.00479; TOPMed 0.00495; 1000 Genomes Project 30x 0.00515.
gnomAD v4.1: 1,187 of 1,546,286 alleles (0.077%); highest among the groups gnomAD compares: African/African-American, 1.4%; 7 homozygotes.

Submissions (4):

CeGaT Center for Human Genetics Tuebingen
Classification: Likely benign. Last evaluated: 2026-09-01. Review status: criteria provided, single submitter. Criteria: CeGaT Center For Human Genetics Tuebingen Variant Classification Criteria Version 2. Collection method: clinical testing. Allele origin: germline. Affected: yes. Observed: 2 variant alleles.
Comment: GALC: BS1

GeneDx
Classification: Likely benign. Last evaluated: 2022-11-30. Review status: criteria provided, single submitter. Criteria: GeneDx Variant Classification Process June 2021. Collection method: clinical testing. Allele origin: germline. Affected: yes.
Comment: See Variant Classification Assertion Criteria.

Natera, Inc.
Classification: Benign for Galactosylceramide beta-galactosidase deficiency. Last evaluated: 2020-04-18. Review status: no assertion criteria provided. Collection method: clinical testing. Allele origin: germline. Not counted in ClinVar's aggregate classification.

PreventionGenetics, part of Exact Sciences
Classification: Benign for GALC-related condition. Last evaluated: 2019-04-12. Review status: no assertion criteria provided. Collection method: clinical testing. Allele origin: germline. Not counted in ClinVar's aggregate classification.
Comment: This variant is classified as benign based on ACMG/AMP sequence variant interpretation guidelines (Richards et al. 2015 PMID: 25741868, with internal and published modifications).

NM_000153.4(GALC):c.-66G>T

Gene: GALC (galactosylceramidase; minus strand). Cytogenetic location: 14q31.3.
Variant type: single nucleotide variant.
Coding change: c.-66G>T on transcript NM_000153.4 (MANE Select); 66 bases upstream of the start codon, G replaced by T.
Molecular consequence: genic upstream transcript variant. On other transcripts: intron variant (1).
Genome position (GRCh38, 1-based): chr14:87,993,230, C>A on the plus strand (G>T on the coding strand, the complement: GALC is on the minus strand). VCF-style: chr14-87993230-C-A. GRCh37 (hg19) VCF-style: chr14-88459574-C-A.
Other names: c.117+153G>T (NM_001201402.2, NM_001201402.1).
Identifiers: ClinVar variation 990856 (VCV000990856.6), dbSNP rs146439771, ClinGen allele CA265469471.